The following is an entry in ClinVar:

NM_001005373.4(LRSAM1):c.1088+114C>T

Gene: LRSAM1 (leucine rich repeat and sterile alpha motif containing 1; plus strand). Cytogenetic location: 9q33.3.
Variant type: single nucleotide variant.
Coding change: c.1088+114C>T on transcript NM_001005373.4 (MANE Select); 114 bases into the intron after coding-DNA position 1088, C replaced by T.
Molecular consequence: intron variant.
Genome position (GRCh38, 1-based): chr9:127,481,341, C>T. VCF-style: chr9-127481341-C-T. GRCh37 (hg19) VCF-style: chr9-130243620-C-T.
Other names: c.1088+114C>T (NM_138361.5, NM_001384142.1, NM_001384143.1 and 2 more transcripts); c.299+114C>T (NM_001384144.1).
Identifiers: ClinVar variation 674026 (VCV000674026.2), dbSNP rs10819297, ClinGen allele CA199848956.

ClinVar aggregate classification (germline): Benign. Review status: criteria provided, multiple submitters, no conflicts (2 of 4 stars). 2 submissions from 2 submitters: Benign (2). Last evaluated 2018-06-19.

Allele frequency attached by ClinVar (database versions not stated): gnomAD 0.10818 and 0.11271; TOPMed 0.13126; 1000 Genomes Project 30x 0.15100; 1000 Genomes Project 0.15136.
gnomAD v4.1: 130,215 of 1,115,150 alleles (12%); highest among the groups gnomAD compares: Admixed American, 37%; 10,642 homozygotes.

Submissions (2):

GeneDx
Classification: Benign. Last evaluated: 2018-06-19. Review status: criteria provided, single submitter. Criteria: GeneDx Variant Classification (06012015). Collection method: clinical testing. Allele origin: germline. Affected: yes.
Comment: This variant is considered likely benign or benign based on one or more of the following criteria: it is a conservative change, it occurs at a poorly conserved position in the protein, it is predicted to be benign by multiple in silico algorithms, and/or has population frequency not consistent with disease.

Breakthrough Genomics
Classification: Benign. Review status: criteria provided, single submitter. Criteria: ACMG Guidelines, 2015. Collection method: not provided. Allele origin: germline. Inheritance: Autosomal dominant inheritance. Affected: yes.